The following is an entry in ClinVar:

NM_000135.4(FANCA):c.1226-13G>A

Gene: FANCA (FA complementation group A; minus strand). Cytogenetic location: 16q24.3.
Variant type: single nucleotide variant.
Coding change: c.1226-13G>A on transcript NM_000135.4 (MANE Select); 13 bases into the intron before coding-DNA position 1226, G replaced by A.
Molecular consequence: intron variant.
Genome position (GRCh38, 1-based): chr16:89,791,549, C>T on the plus strand (G>A on the coding strand, the complement: FANCA is on the minus strand). VCF-style: chr16-89791549-C-T. GRCh37 (hg19) VCF-style: chr16-89857957-C-T.
Other names: c.1226-13G>A (NM_001286167.3).
Identifiers: ClinVar variation 1463462 (VCV001463462.6), dbSNP rs377159744, ClinGen allele CA2573152820.

ClinVar aggregate classification (germline): Uncertain significance. Review status: criteria provided, multiple submitters, no conflicts (2 of 4 stars). 2 submissions from 2 submitters: Uncertain significance (2). Last evaluated 2022-06-03.

Conditions:
Fanconi anemia (FA). Also called: Fanconi's anemia. Identifiers: Orphanet 84, MedGen C0015625, MeSH D005199, MONDO:0019391.
Fanconi anemia complementation group A (FANCA). Also called: FANCA-Related Fanconi Anemia; Fanconi anemia, group A. Identifiers: Orphanet 84, MedGen C3469521, MONDO:0009215, OMIM 227650.

gnomAD v4.1: 1 of 1,613,936 alleles (0.000062%); highest among the groups gnomAD compares: Non-Finnish European, 0.000085%; no homozygotes.

Submissions (2):

Institute of Human Genetics, Clinical Exome/Genome Diagnostics Group, University Hospital Bonn
Classification: Uncertain significance for Fanconi anemia complementation group A. Last evaluated: 2022-06-03. Review status: criteria provided, single submitter. Criteria: ACMG Guidelines, 2015. Collection method: clinical testing. Allele origin: germline. Affected: yes.

Labcorp Genetics (formerly Invitae), Labcorp
Classification: Uncertain significance for Fanconi anemia. Last evaluated: 2021-09-02. Review status: criteria provided, single submitter. Criteria: Invitae Variant Classification Sherloc (09022015). Collection method: clinical testing. Allele origin: germline.
Comment: This sequence change falls in intron 13 of the FANCA gene. It does not directly change the encoded amino acid sequence of the FANCA protein. This variant is not present in population databases (ExAC no frequency). This variant has not been reported in the literature in individuals affected with FANCA-related conditions. Algorithms developed to predict the effect of sequence changes on RNA splicing suggest that this variant may create or strengthen a splice site. In summary, the available evidence is currently insufficient to determine the role of this variant in disease. Therefore, it has been classified as a Variant of Uncertain Significance.